The following is an entry in ClinVar:

ClinVar aggregate classification (germline): Uncertain significance (1 of 4 stars; one submission).

Conditions:
Primary ciliary dyskinesia 30. Also called: CILIARY DYSKINESIA, PRIMARY, 30, WITH OR WITHOUT SITUS INVERSUS. Identifiers: Orphanet 244, MedGen C4015016, MONDO:0014465, OMIM 616037.

gnomAD v4.1: 1 of 1,610,498 alleles (0.000062%); highest among the groups gnomAD compares: South Asian, 0.0011%; no homozygotes.

Submission:

Labcorp Genetics (formerly Invitae), Labcorp
Classification: Uncertain significance for Primary ciliary dyskinesia 30. Last evaluated: 2022-09-07. Review status: criteria provided, single submitter. Criteria: Invitae Variant Classification Sherloc (09022015). Collection method: clinical testing. Allele origin: germline.
Comment: In summary, the available evidence is currently insufficient to determine the role of this variant in disease. Therefore, it has been classified as a Variant of Uncertain Significance. Algorithms developed to predict the effect of missense changes on protein structure and function are either unavailable or do not agree on the potential impact of this missense change (SIFT: "Deleterious"; PolyPhen-2: "Probably Damaging"; Align-GVGD: "Class C0"). ClinVar contains an entry for this variant (Variation ID: 406814). This variant has not been reported in the literature in individuals affected with CCDC151-related conditions. This variant is not present in population databases (gnomAD no frequency). This sequence change replaces serine, which is neutral and polar, with cysteine, which is neutral and slightly polar, at codon 3 of the CCDC151 protein (p.Ser3Cys).

NM_145045.5(ODAD3):c.8C>G (p.Ser3Cys)

Gene: ODAD3 (outer dynein arm docking complex subunit 3; minus strand). Cytogenetic location: 19p13.2.
Variant type: single nucleotide variant.
Coding change: c.8C>G on transcript NM_145045.5 (MANE Select); coding-DNA position 8, C replaced by G.
Protein change: p.Ser3Cys; replaces serine 3 with cysteine.
Molecular consequence: missense variant. On other transcripts: intron variant (1).
Genome position (GRCh38, 1-based): chr19:11,435,009, G>C on the plus strand (C>G on the coding strand, the complement: ODAD3 is on the minus strand). VCF-style: chr19-11435009-G-C. GRCh37 (hg19) VCF-style: chr19-11545830-G-C.
Other names: c.8C>G, p.Ser3Cys (NM_001302454.2); c.82+681C>G (NM_001302453.1); short protein forms S3C.
Identifiers: ClinVar variation 406814 (VCV000406814.10), dbSNP rs756389981, ClinGen allele CA16616210.